The following is an entry in ClinVar:

NM_000533.5(PLP1):c.489G>A (p.Trp163Ter)

Genes: PLP1 (proteolipid protein 1; plus strand), RAB9B (RAB9B, member RAS oncogene family; minus strand). Cytogenetic location: Xq22.2.
Variant type: single nucleotide variant.
Coding change: c.489G>A on transcript NM_000533.5 (MANE Select); coding-DNA position 489, G replaced by A.
Protein change: p.Trp163Ter; replaces tryptophan 163 with a stop codon.
Molecular consequence: nonsense.
Genome position (GRCh38, 1-based): chrX:103,787,833, G>A. VCF-style: chrX-103787833-G-A. GRCh37 (hg19) VCF-style: chrX-103042762-G-A.
Other names: c.489G>A, p.Trp163Ter (NM_001128834.3); c.324G>A, p.Trp108Ter (NM_001305004.1); c.384G>A, p.Trp128Ter (NM_199478.3); short protein forms W128*, W163*, W108*.
Identifiers: ClinVar variation 642236 (VCV000642236.7), dbSNP rs1602384101, ClinGen allele CA414103662.

ClinVar aggregate classification (germline): Pathogenic. Review status: criteria provided, multiple submitters, no conflicts (2 of 4 stars). 2 submissions from 2 submitters: Pathogenic (2). Last evaluated 2025-07-08.

Conditions:
Hereditary spastic paraplegia 2 (SPG2). Also called: SPASTIC PARAPLEGIA 2, X-LINKED; Spastic Paraplegia 2 (SPG2). Identifiers: Orphanet 99015, MedGen C0751604, MONDO:0010733, OMIM 312920.
Hypotonic infant.

Submissions (2):

North West Genomic Laboratory Hub, Manchester University NHS Foundation Trust
Classification: Pathogenic for Hypotonic infant. Last evaluated: 2025-07-08. Review status: criteria provided, single submitter. Criteria: ACGS Best Practice Guidelines for Variant Classification in Rare Disease 2024. Collection method: clinical testing. Allele origin: germline. Affected: yes.
Comment: PM2_Mod PVS1_VStr

Labcorp Genetics (formerly Invitae), Labcorp
Classification: Pathogenic for Hereditary spastic paraplegia 2. Last evaluated: 2018-11-20. Review status: criteria provided, single submitter. Criteria: Invitae Variant Classification Sherloc (09022015). Collection method: clinical testing. Allele origin: germline.
Comment: This sequence change creates a premature translational stop signal (p.Trp163*) in the PLP1 gene. It is expected to result in an absent or disrupted protein product. This variant is not present in population databases (ExAC no frequency). This variant has not been reported in the literature in individuals with PLP1-related disease. Loss-of-function variants in PLP1 are known to be pathogenic (PMID: 18470932). For these reasons, this variant has been classified as Pathogenic.

Literature cited by the submitters: PubMed 18470932 (cited by Labcorp Genetics (formerly Invitae), Labcorp).